The following is an entry in ClinVar:

NM_014363.6(SACS):c.7265A>T (p.Gln2422Leu)

Gene: SACS (sacsin molecular chaperone; minus strand). Cytogenetic location: 13q12.12.
Variant type: single nucleotide variant.
Coding change: c.7265A>T on transcript NM_014363.6 (MANE Select); coding-DNA position 7265, A replaced by T.
Protein change: p.Gln2422Leu; replaces glutamine 2422 with leucine.
Molecular consequence: missense variant.
Genome position (GRCh38, 1-based): chr13:23,336,611, T>A on the plus strand (A>T on the coding strand, the complement: SACS is on the minus strand). VCF-style: chr13-23336611-T-A. GRCh37 (hg19) VCF-style: chr13-23910750-T-A.
Other names: p.Gln2422Leu; c.6824A>T, p.Gln2275Leu (NM_001278055.2); c.7292A>T, p.Gln2431Leu (NM_001437336.1); short protein forms Q2275L, Q2431L, Q2422L.
Identifiers: ClinVar variation 4541763 (VCV004541763.2).

ClinVar aggregate classification (germline): Uncertain significance. Review status: criteria provided, multiple submitters, no conflicts (2 of 4 stars). 2 submissions from 2 submitters: Uncertain significance (2). Last evaluated 2025-12-20.

Conditions:
Spastic paraplegia. Identifiers: MedGen C0037772, HP:0001258.

gnomAD v4.1: 1 of 1,613,776 alleles (0.000062%); highest among the groups gnomAD compares: Non-Finnish European, 0.000085%; no homozygotes.

Submissions (2):

Labcorp Genetics (formerly Invitae), Labcorp
Classification: Uncertain significance for Spastic paraplegia. Last evaluated: 2025-12-20. Review status: criteria provided, single submitter. Criteria: Invitae Variant Classification Sherloc (09022015). Collection method: clinical testing. Allele origin: germline.
Comment: This sequence change replaces glutamine, which is neutral and polar, with leucine, which is neutral and non-polar, at codon 2422 of the SACS protein (p.Gln2422Leu). This variant is not present in population databases (gnomAD no frequency). This variant has not been reported in the literature in individuals affected with SACS-related conditions. Invitae Evidence Modeling of protein sequence and biophysical properties (such as structural, functional, and spatial information, amino acid conservation, physicochemical variation, residue mobility, and thermodynamic stability) indicates that this missense variant is not expected to disrupt SACS protein function with a negative predictive value of 95%. In summary, the available evidence is currently insufficient to determine the role of this variant in disease. Therefore, it has been classified as a Variant of Uncertain Significance.

Mayo Clinic Laboratories, Mayo Clinic
Classification: Uncertain significance. Last evaluated: 2025-10-09. Review status: criteria provided, single submitter. Criteria: ACMG Guidelines, 2015. Collection method: clinical testing. Allele origin: germline. Observed: 1 variant allele.
Comment: PP3, PM2_supporting